The following is an entry in ClinVar:

NM_006346.4(PIBF1):c.651C>T (p.Asn217=)

Gene: PIBF1 (progesterone immunomodulatory binding factor 1; plus strand). Cytogenetic location: 13q21.33.
Variant type: single nucleotide variant.
Coding change: c.651C>T on transcript NM_006346.4 (MANE Select); coding-DNA position 651, C replaced by T.
Protein change: p.Asn217=; no amino-acid change (asparagine 217 retained).
Molecular consequence: synonymous variant. On other transcripts: non-coding transcript variant (2).
Genome position (GRCh38, 1-based): chr13:72,798,005, C>T. VCF-style: chr13-72798005-C-T. GRCh37 (hg19) VCF-style: chr13-73372143-C-T.
Other names: c.651C>T, p.Asn217= (NM_001349655.2).
Identifiers: ClinVar variation 738062 (VCV000738062.22), dbSNP rs766298119, ClinGen allele CA7002000.
Genomic context (GRCh38, chr13:72,798,005, plus strand): 5'-AATCTGTGAACTACAAGTGAAAAAGAATATCCTAGCAGAAGAATTAAGTACAAACAAAAA[C>T]CAACTGAAGCAGCTGACAGAGGTTTGTATGGTTTTGATTGCTGGTGGGAAGAAGCTTCGG-3'
Protein context (NP_006337.2, residues 207-227): ILAEELSTNK[Asn217=]QLKQLTETYE

ClinVar aggregate classification (germline): Likely benign. Review status: criteria provided, multiple submitters, no conflicts (2 of 4 stars). 3 submissions from 3 submitters: Likely benign (3). Last evaluated 2024-08-28.

Allele frequency attached by ClinVar (database versions not stated): ExAC 0.00001; gnomAD exomes 0.00001; TOPMed 0.00002.
gnomAD v4.1: 52 of 1,602,302 alleles (0.0032%); highest among the groups gnomAD compares: Middle Eastern, 0.033%; no homozygotes.

Submissions (3):

Blueprint Genetics
Classification: Likely benign. Last evaluated: 2024-08-28. Review status: criteria provided, single submitter. Criteria: ACMG Guidelines, 2015. Collection method: clinical testing. Allele origin: germline.

CeGaT Center for Human Genetics Tuebingen
Classification: Likely benign. Last evaluated: 2024-07-01. Review status: criteria provided, single submitter. Criteria: CeGaT Center For Human Genetics Tuebingen Variant Classification Criteria Version 2. Collection method: clinical testing. Allele origin: germline. Affected: yes. Observed: 1 variant allele.
Comment: PIBF1: BP4, BP7

Labcorp Genetics (formerly Invitae), Labcorp
Classification: Likely benign. Last evaluated: 2019-12-31. Review status: criteria provided, single submitter. Criteria: Invitae Variant Classification Sherloc (09022015). Collection method: clinical testing. Allele origin: germline.